The following is an entry in ClinVar:

ClinVar aggregate classification (germline): Uncertain significance (0 of 4 stars; one submission).

Conditions:
PLXNA1-related disorder. Also called: PLXNA1-related condition.

Submission:

PreventionGenetics, part of Exact Sciences
Classification: Uncertain significance for PLXNA1-related condition. Last evaluated: 2024-03-25. Review status: no assertion criteria provided. Collection method: clinical testing. Allele origin: germline.
Comment: The PLXNA1 c.2993G>A variant is predicted to result in the amino acid substitution p.Gly998Asp. To our knowledge, this variant has not been reported in the literature or in a large population database, indicating this variant is rare. At this time, the clinical significance of this variant is uncertain due to the absence of conclusive functional and genetic evidence.

NM_032242.4(PLXNA1):c.2993G>A (p.Gly998Asp)

Genes: PLXNA1 (plexin A1; plus strand), LOC129937476 (ATAC-STARR-seq lymphoblastoid active region 20450; plus strand). Cytogenetic location: 3q21.3.
Variant type: single nucleotide variant.
Coding change: c.2993G>A on transcript NM_032242.4 (MANE Select); coding-DNA position 2993, G replaced by A.
Protein change: p.Gly998Asp; replaces glycine 998 with aspartic acid.
Molecular consequence: missense variant.
Genome position (GRCh38, 1-based): chr3:127,015,299, G>A. VCF-style: chr3-127015299-G-A. GRCh37 (hg19) VCF-style: chr3-126734142-G-A.
Other names: short protein forms G998D.
Identifiers: ClinVar variation 3348583 (VCV003348583.1).